The following is an entry in ClinVar:

NM_032756.4(HPDL):c.469T>C (p.Trp157Arg)

Gene: HPDL (4-hydroxyphenylpyruvate dioxygenase like; plus strand). Cytogenetic location: 1p34.1.
Variant type: single nucleotide variant.
Coding change: c.469T>C on transcript NM_032756.4 (MANE Select); coding-DNA position 469, T replaced by C.
Protein change: p.Trp157Arg; replaces tryptophan 157 with arginine.
Molecular consequence: missense variant.
Genome position (GRCh38, 1-based): chr1:45,327,617, T>C. VCF-style: chr1-45327617-T-C. GRCh37 (hg19) VCF-style: chr1-45793289-T-C.
Other names: p.W15; p.W157R; c.469T>C (NM_032756.3); short protein forms W157R.
Identifiers: ClinVar variation 986812 (VCV000986812.46), dbSNP rs567130416, ClinGen allele CA826252.

ClinVar aggregate classification (germline): Conflicting classifications of pathogenicity. Review status: criteria provided, conflicting classifications (1 of 4 stars). 7 submissions from 7 submitters: Pathogenic (3); Likely pathogenic (2); Uncertain significance (2). Last evaluated 2026-06-15.

Conditions:
Neurodevelopmental disorder with progressive spasticity and brain white matter abnormalities. Also called: CEREBRAL PALSY, SPASTIC QUADRIPLEGIC, 1. Identifiers: Orphanet 210141, Orphanet 641353, MedGen C5436628, MONDO:0033613, OMIM 619026.
Inborn genetic diseases. Identifiers: MedGen C0950123, MeSH D030342.

Allele frequency attached by ClinVar (database versions not stated): ExAC 0.00003; gnomAD exomes 0.00005 and 0.00004; gnomAD 0.00005; TOPMed 0.00005.

Submissions (7):

Victorian Clinical Genetics Services, Murdoch Childrens Research Institute
Classification: Likely pathogenic for Neurodevelopmental disorder with progressive spasticity and brain white matter abnormalities. Last evaluated: 2026-06-15. Review status: criteria provided, single submitter. Criteria: ACMG Guidelines, 2015. Collection method: clinical testing. Allele origin: germline. Affected: yes.
Comment: This variant is classified as Likely pathogenic. Evidence in support of pathogenic classification: Variant is present in gnomAD <0.01 for a recessive condition (v4: 66 heterozygote(s), 0 homozygote(s)); This variant has moderate previous evidence of pathogenicity in unrelated individuals. This variant has been classified as pathogenic, likely pathogenic and as a VUS by clinical laboratories in ClinVar. This variant has also been observed as compound heterozygous in an infant with spastic paraplegia, microcephaly, delayed motor development and mild intellectual disability (PMID: 32707086); This variant has moderate functional evidence supporting abnormal protein function. Western blot studies on fibroblast cells of a patient who is compound heterozygous for this variant and another missense variant showed significantly reduced HPDL protein levels (PMID: 32707086); Heterozygous variant detected in trans with a second PATHOGENIC heterozygous variant (NM_032756.2(HPDL):c.835C>T; p.(Gln279*)) in a recessive disease. Evidence in support of benign classification: Missense variant predicted to be tolerated by in silico tool(s) or not conserved in placental mammals with a minor amino acid change. Additional information: Variant is predicted to result in a missense amino acid change from Trp to Arg; This variant is heterozygous; This gene is associated with autosomal recessive disease; Variant is not located in an established domain, motif, hotspot or informative constraint region; Loss of function is a known mechanism of disease in this gene and is associated with neurodevelopmental disorder with progressive spasticity and brain white matter abnormalities (MIM#619026) and spastic paraplegia 83, autosomal recessive (MIM#619027).

Undiagnosed Diseases Network, NIH
Classification: Pathogenic for Neurodevelopmental disorder with progressive spasticity and brain white matter abnormalities. Last evaluated: 2026-06-05. Review status: criteria provided, single submitter. Criteria: ACMG Guidelines, 2015. Collection method: clinical testing. Allele origin: paternal. Inheritance: Autosomal recessive inheritance. Affected: yes. Observed: 1 variant allele, 1 compound heterozygote. Study: Undiagnosed Diseases Network, UDN.
Comment: This variant has been observed as homozygous or heterozygous in trans with another HPDL variants in patients with HPDL related disorders (PMID: 32707086, 37838930). This variant has been observed in general population with allele frequency less than 0.1%. This variant is predicted to be intermediate (CADD: 22.6, REVEL: 0.19).

GeneDx
Classification: Likely pathogenic. Last evaluated: 2025-12-03. Review status: criteria provided, single submitter. Criteria: GeneDx Variant Classification Process June 2021. Collection method: clinical testing. Allele origin: germline. Affected: yes.
Comment: Identified with another HPDL variant on the opposite allele (in trans) in patients in published literature with features of HPDL-related disorder (PMID: 32707086, 37838930); In silico analysis suggests that this missense variant does not alter protein structure/function; Not observed at significant frequency in large population cohorts (gnomAD); This variant is associated with the following publications: (PMID: 32707086, 33634263, 35985664, 37838930)

Ambry Genetics
Classification: Pathogenic for Inborn genetic diseases. Last evaluated: 2025-09-30. Review status: criteria provided, single submitter. Criteria: Ambry Variant Classification Scheme 2023. Collection method: clinical testing. Allele origin: germline.
Comment: The c.469T>C (p.W157R) alteration is located in exon 1 of the HPDL gene. This alteration results from a T to C substitution at nucleotide position 469, causing the tryptophan (W) at amino acid position 157 to be replaced by an arginine (R). Based on data from gnomAD, the C allele has an overall frequency of 0.0046% (11/238,592) total alleles studied. The highest observed frequency was 0.01% (10/104,900) in the European (non-Finnish) population. This variant has been identified in the homozygous state and/or in conjunction with other HPDL variant(s) in individual(s) with features consistent with HPDL-related neurological disorder (Husain, 2020; Guo, 2024; external communication; Ambry internal data). This amino acid position is not well conserved in available vertebrate species. This alteration is predicted to be tolerated by in silico analysis. Based on the available evidence, this alteration is classified as pathogenic.

CeGaT Center for Human Genetics Tuebingen
Classification: Uncertain significance. Last evaluated: 2023-11-01. Review status: criteria provided, single submitter. Criteria: CeGaT Center For Human Genetics Tuebingen Variant Classification Criteria Version 2. Collection method: clinical testing. Allele origin: germline. Affected: yes. Observed: 2 variant alleles.
Comment: HPDL: PM2, PM3, PS3:Supporting

Revvity Omics, Revvity
Classification: Uncertain significance. Last evaluated: 2023-07-28. Review status: criteria provided, single submitter. Criteria: ACMG Guidelines, 2015. Collection method: clinical testing. Allele origin: germline.

Institute of Medical Genetics and Applied Genomics, University Hospital Tübingen
Classification: Pathogenic. Last evaluated: 2020-10-23. Review status: criteria provided, single submitter. Criteria: ACMG Guidelines, 2015. Collection method: clinical testing. Allele origin: germline. Inheritance: Autosomal recessive inheritance. Affected: yes.

Literature cited by the submitters: PubMed 32707086 (cited by 3 submitters); PubMed 37838930 (cited by Undiagnosed Diseases Network, NIH and Ambry Genetics).